The following is an entry in ClinVar:

ClinVar aggregate classification (germline): Likely benign. Review status: criteria provided, single submitter (1 of 4 stars). 2 submissions from 2 submitters: Likely benign (1). 1 of the submissions does not count toward it. Last evaluated 2025-12-09.

Conditions:
SLC9A3-related disorder. Also called: SLC9A3-related condition.

Allele frequency attached by ClinVar (database versions not stated): gnomAD exomes 0.00012 and 0.00034; ExAC 0.00013; TOPMed 0.00017; gnomAD 0.00021; ESP Exome Variant Server 0.00039; 1000 Genomes Project 0.00040; 1000 Genomes Project 30x 0.00047.
gnomAD v4.1: 521 of 1,594,094 alleles (0.033%); highest among the groups gnomAD compares: Non-Finnish European, 0.042%; 1 homozygote.

Submissions (2):

Labcorp Genetics (formerly Invitae), Labcorp
Classification: Likely benign. Last evaluated: 2025-12-09. Review status: criteria provided, single submitter. Criteria: Invitae Variant Classification Sherloc (09022015). Collection method: clinical testing. Allele origin: germline.

PreventionGenetics, part of Exact Sciences
Classification: Likely benign for SLC9A3-related condition. Last evaluated: 2019-03-12. Review status: no assertion criteria provided. Collection method: clinical testing. Allele origin: germline. Not counted in ClinVar's aggregate classification.
Comment: This variant is classified as likely benign based on ACMG/AMP sequence variant interpretation guidelines (Richards et al. 2015 PMID: 25741868, with internal and published modifications).

NM_004174.4(SLC9A3):c.1154-4G>A

Gene: SLC9A3 (solute carrier family 9 member A3). Cytogenetic location: 5p15.33.
Variant type: single nucleotide variant.
Coding change: c.1154-4G>A on transcript NM_004174.4 (MANE Select); 4 bases into the intron before coding-DNA position 1154, G replaced by A.
Molecular consequence: intron variant.
Genome position (GRCh38, 1-based): chr5:482,754, C>T on the plus strand (G>A on the coding strand, the complement: SLC9A3 is on the minus strand). VCF-style: chr5-482754-C-T. GRCh37 (hg19) VCF-style: chr5-482869-C-T.
Other names: c.1154-4G>A (NM_001284351.3, NM_004174.3).
Identifiers: ClinVar variation 1634522 (VCV001634522.10), dbSNP rs370683147, ClinGen allele CA3176046.